The following is an entry in ClinVar:

NM_002778.4(PSAP):c.250-1G>C

Gene: PSAP (prosaposin; minus strand). Cytogenetic location: 10q22.1.
Variant type: single nucleotide variant.
Coding change: c.250-1G>C on transcript NM_002778.4 (MANE Select); the canonical splice acceptor site of the intron before coding-DNA position 250, G replaced by C.
Molecular consequence: splice acceptor variant.
Genome position (GRCh38, 1-based): chr10:71,831,252, C>G on the plus strand (G>C on the coding strand, the complement: PSAP is on the minus strand). VCF-style: chr10-71831252-C-G. GRCh37 (hg19) VCF-style: chr10-73591009-C-G.
Other names: c.250-1G>C (NM_001042466.3, NM_001042465.3).
Identifiers: ClinVar variation 2863086 (VCV002863086.3), dbSNP rs2494533554, ClinGen allele CA377154085.

ClinVar aggregate classification (germline): Likely pathogenic (1 of 4 stars; one submission).

Conditions:
Sphingolipid activator protein 1 deficiency. Also called: Saposin B Deficiency; Metachromatic leukodystrophy due to saposin B deficiency; METACHROMATIC LEUKODYSTROPHY DUE TO CEREBROSIDE SULFATASE ACTIVATOR DEFICIENCY. Identifiers: Orphanet 512, MedGen C0268262, MONDO:0009590, OMIM 249900.

Allele frequency attached by ClinVar (database versions not stated): gnomAD exomes below 0.00001.
gnomAD v4.1: 1 of 1,613,750 alleles (0.000062%); highest among the groups gnomAD compares: Non-Finnish European, 0.000085%; no homozygotes.

Submission:

Labcorp Genetics (formerly Invitae), Labcorp
Classification: Likely pathogenic for Sphingolipid activator protein 1 deficiency. Last evaluated: 2023-05-10. Review status: criteria provided, single submitter. Criteria: Invitae Variant Classification Sherloc (09022015). Collection method: clinical testing. Allele origin: germline.
Comment: In summary, the currently available evidence indicates that the variant is pathogenic, but additional data are needed to prove that conclusively. Therefore, this variant has been classified as Likely Pathogenic. Algorithms developed to predict the effect of sequence changes on RNA splicing suggest that this variant may disrupt the consensus splice site. This variant has not been reported in the literature in individuals affected with PSAP-related conditions. This variant is not present in population databases (gnomAD no frequency). This sequence change affects an acceptor splice site in intron 3 of the PSAP gene. It is expected to disrupt RNA splicing. Variants that disrupt the donor or acceptor splice site typically lead to a loss of protein function (PMID: 16199547), and loss-of-function variants in PSAP are known to be pathogenic (PMID: 8554069, 11309366, 17616409, 19267410, 30632081).

Literature cited by the submitters: PubMed 16199547; PubMed 8554069; PubMed 11309366; PubMed 17616409; PubMed 19267410; PubMed 30632081.